The following is an entry in ClinVar:

NM_020975.6(RET):c.1901G>C (p.Cys634Ser)

Gene: RET (ret proto-oncogene; plus strand). Cytogenetic location: 10q11.21.
Variant type: single nucleotide variant.
Coding change: c.1901G>C on transcript NM_020975.6 (MANE Select); coding-DNA position 1901, G replaced by C.
Protein change: p.Cys634Ser; replaces cysteine 634 with serine.
Molecular consequence: missense variant.
Genome position (GRCh38, 1-based): chr10:43,114,501, G>C. VCF-style: chr10-43114501-G-C. GRCh37 (hg19) VCF-style: chr10-43609949-G-C.
Other names: c.1901G>C, p.Cys634Ser (NM_000323.2, NM_001406743.1, NM_001406744.1 and 4 more transcripts); c.1139G>C, p.Cys380Ser (NM_001355216.2); c.1772G>C, p.Cys591Ser (NM_001406761.1, NM_001406762.1, NM_001406764.1); c.1613G>C, p.Cys538Ser (NM_001406766.1, NM_001406767.1, NM_001406770.1); c.1505G>C, p.Cys502Ser (NM_001406769.1, NM_001406772.1); c.1463G>C, p.Cys488Ser (NM_001406771.1, NM_001406773.1); c.1376G>C, p.Cys459Ser (NM_001406774.1); c.1175G>C, p.Cys392Ser (NM_001406775.1, NM_001406776.1, NM_001406777.1 and 1 more transcripts); and 7 more; short protein forms C634S, C380S, C292S, C295S, C459S, C502S, C239S, C538S.
Identifiers: ClinVar variation 13910 (VCV000013910.15), dbSNP rs75996173, ClinGen allele CA008361.

ClinVar aggregate classification (germline): Pathogenic. Review status: criteria provided, multiple submitters, no conflicts (2 of 4 stars). 6 submissions from 5 submitters: Pathogenic (4). 2 of the submissions do not count toward it. Last evaluated 2025-09-01.

Conditions:
Hereditary cancer-predisposing syndrome. Also called: Tumor predisposition; Hereditary neoplastic syndrome; Neoplastic Syndromes, Hereditary; Hereditary Cancer Syndrome. Identifiers: Orphanet 140162, MedGen C0027672, MeSH D009386, MONDO:0015356.
Multiple endocrine neoplasia, type 2 (MEN2). Identifiers: Orphanet 653, MedGen C4048306, MONDO:0019003. Disease mechanism: gain of function.
Multiple endocrine neoplasia type 2B. Also called: MULTIPLE ENDOCRINE NEOPLASIA, TYPE IIB; MEN 2B; MUCOSAL NEUROMA SYNDROME; WAGENMANN-FROBOESE SYNDROME; MULTIPLE ENDOCRINE NEOPLASIA, TYPE III; Multiple Endocrine Neoplasia Type 2B (MEN2B). Identifiers: Orphanet 247709, Orphanet 653, MedGen C0025269, MeSH D018814, MONDO:0008082, OMIM 162300.
Multiple endocrine neoplasia type 2A. Also called: MULTIPLE ENDOCRINE NEOPLASIA, TYPE IIA; PTC SYNDROME; SIPPLE SYNDROME; MEN 2A; MEN-2A syndrome; Pheochromocytoma and amyloid producing medullary thyroid carcinoma. Identifiers: Orphanet 247698, Orphanet 653, MedGen C0025268, MeSH D018813, MONDO:0008234, OMIM 171400.
Pheochromocytoma. Also called: MAX-Related Hereditary Paraganglioma-Pheochromocytoma Syndrome. Identifiers: Orphanet 29072, MedGen C0031511, MONDO:0008233, OMIM 171300, HP:0002666.

Submissions (6):

Labcorp Genetics (formerly Invitae), Labcorp
Classification: Pathogenic for Multiple endocrine neoplasia, type 2. Last evaluated: 2025-09-01. Review status: criteria provided, single submitter. Criteria: Invitae Variant Classification Sherloc (09022015). Collection method: clinical testing. Allele origin: germline.
Comment: This sequence change replaces cysteine, which is neutral and slightly polar, with serine, which is neutral and polar, at codon 634 of the RET protein (p.Cys634Ser). This variant is not present in population databases (gnomAD no frequency). This missense change has been observed in individual(s) with multiple endocrine neoplasia type 2 (PMID: 8099202, 15277225, 15592804, 21765987, 25143909, 28099363). It has also been observed to segregate with disease in related individuals. This variant is also known as p.Cys380Ser. ClinVar contains an entry for this variant (Variation ID: 13910). An algorithm developed to predict the effect of missense changes on protein structure and function (PolyPhen-2) suggests that this variant is likely to be disruptive. This variant disrupts the p.Cys634 amino acid residue in RET. Other variant(s) that disrupt this residue have been determined to be pathogenic (PMID: 2008030, 8099202, 12000816, 23723040). This suggests that this residue is clinically significant, and that variants that disrupt this residue are likely to be disease-causing. For these reasons, this variant has been classified as Pathogenic.

Ambry Genetics
Classification: Pathogenic for Hereditary cancer-predisposing syndrome. Last evaluated: 2024-05-24. Review status: criteria provided, single submitter. Criteria: Ambry Variant Classification Scheme 2023. Collection method: clinical testing. Allele origin: germline.
Comment: The p.C634S pathogenic mutation (also known as c.1901G>C), located in coding exon 11 of the RET gene, results from a G to C substitution at nucleotide position 1901. The cysteine at codon 634 is replaced by serine, an amino acid with dissimilar properties. This alteration has been reported in numerous families with multiple endocrine neoplasia type 2A (MEN2A) (Ambry internal data; Mulligan LM et al. Nature, 1993 Jun;363:458-60; Schuffenecker I et al. Hum Mol Genet, 1994 Nov;3:1939-43; Neumann HP et al. N Engl J Med, 2002 May;346:1459-66; Melillo RM et al. Am J Pathol, 2004 Aug;165:511-21; Liu Q et al. Medicine (Baltimore), 2017 Jan;96:e5967). Another variant at the same codon, p.C634S (c.1900T>A), has been reported in numerous families with multiple endocrine neoplasia type 2A (MEN2A) or familial medullary thyroid cancer (FMTC) and has been shown to segregate with disease in many of these families (Mulligan LM et al. Nat. Genet. 1994 Jan;6:70-4; Hedayati M et al. J Thyroid Res. 2011 Jun;2011:264248; Mahesh DM et al. Indian J Endocrinol Metab. 2014 Jul;18:516-20; Moore SW et al. J. Pediatr. Surg. 2007 Feb;42:326-32; Zhou Y et al. Clin. Endocrinol. (Oxf). 2007 Oct;67:570-6; Ambry internal data). Of note, the American Thyroid Association recommends that individuals with mutations in codon 634 begin surveillance, screening, and/or possible surgical interventions in early childhood (American Thyroid Association Guidelines Task Force. Thyroid 2009 Jun;19(6):565-612). This amino acid position is highly conserved in available vertebrate species. In addition, this alteration is predicted to be deleterious by in silico analysis. This variant is considered to be rare based on population cohorts in the Genome Aggregation Database (gnomAD). Based on the supporting evidence, this alteration is pathogenic for MEN2; however, the association of this alteration with Hirschsprung disease is unknown.

Mayo Clinic Laboratories, Mayo Clinic
Classification: Pathogenic. Last evaluated: 2021-07-13. Review status: criteria provided, single submitter. Criteria: ACMG Guidelines, 2015. Collection method: clinical testing. Allele origin: germline.
Comment: PP1_strong, PP3, PP5, PM2, PS4_moderate

Institute of Human Genetics, University of Leipzig Medical Center
Classification: Pathogenic for Multiple endocrine neoplasia type 2B. Last evaluated: 2019-01-01. Review status: criteria provided, single submitter. Criteria: ACMG Guidelines, 2015. Collection method: clinical testing. Allele origin: unknown. Affected: no.

OMIM
Classification: Pathogenic for MULTIPLE ENDOCRINE NEOPLASIA, TYPE IIA. Last evaluated: 2002-05-09. Review status: no assertion criteria provided. Collection method: literature only. Allele origin: germline. Not counted in ClinVar's aggregate classification.

OMIM
Classification: Pathogenic for PHEOCHROMOCYTOMA. Last evaluated: 2002-05-09. Review status: no assertion criteria provided. Collection method: literature only. Allele origin: germline. Not counted in ClinVar's aggregate classification.

Literature cited by the submitters: PubMed 8099202 (cited by 3 submitters); PubMed 15277225 (cited by 3 submitters); PubMed 15592804 (cited by Labcorp Genetics (formerly Invitae), Labcorp and Mayo Clinic Laboratories, Mayo Clinic); PubMed 21765987 (cited by Labcorp Genetics (formerly Invitae), Labcorp); PubMed 25143909 (cited by Labcorp Genetics (formerly Invitae), Labcorp and Mayo Clinic Laboratories, Mayo Clinic); PubMed 28099363 (cited by 3 submitters); PubMed 2008030 (cited by Labcorp Genetics (formerly Invitae), Labcorp); PubMed 12000816 (cited by 4 submitters); PubMed 23723040 (cited by Labcorp Genetics (formerly Invitae), Labcorp); PubMed 7874109 (cited by Ambry Genetics and Mayo Clinic Laboratories, Mayo Clinic); PubMed 20516206 (cited by Mayo Clinic Laboratories, Mayo Clinic); PubMed 31510104 (cited by Mayo Clinic Laboratories, Mayo Clinic); PubMed 7907913 (cited by Mayo Clinic Laboratories, Mayo Clinic and OMIM); PubMed 25810047 (cited by Mayo Clinic Laboratories, Mayo Clinic); PubMed 3078962 (cited by OMIM).